The following is an entry in ClinVar:

ClinVar aggregate classification (germline): Uncertain significance (1 of 4 stars; one submission).

Conditions:
Inborn genetic diseases. Identifiers: MedGen C0950123, MeSH D030342.

Submission:

Ambry Genetics
Classification: Uncertain significance for Inborn genetic diseases. Last evaluated: 2023-11-21. Review status: criteria provided, single submitter. Criteria: Ambry Variant Classification Scheme 2023. Collection method: clinical testing. Allele origin: germline.
Comment: Loss of function has not been established as a mechanism of disease Based on insufficient or conflicting evidence, the clinical significance of this alteration remains unclear.

NM_030787.4(CFHR5):c.180_181del (p.Pro62fs)

Gene: CFHR5 (complement factor H related 5; plus strand). Cytogenetic location: 1q31.3.
Variant type: Microsatellite.
Coding change: c.180_181del on transcript NM_030787.4 (MANE Select); coding-DNA positions 180 to 181, 2 bases deleted (GT; older notation c.180_181delGT).
Protein change: p.Pro62fs; shifts the reading frame from proline 62.
Molecular consequence: frameshift variant.
Genome position (GRCh38, 1-based): chr1:196,983,006-196,983,007, GT deleted; deleting any 2 consecutive bases within chr1:196,983,003-196,983,007 gives the same sequence; the c. name uses the placement nearest the transcript's 3' end. VCF-style (leftmost placement, unchanged base first): chr1-196983002-TTG-T. GRCh37 (hg19) VCF-style: chr1-196952132-TTG-T.
Other names: c.178_179GT[1], p.Pro62Phefs (NM_030787.3); c.180_181delGT (NM_030787.3); short protein forms P62fs.
Identifiers: ClinVar variation 3143828 (VCV003143828.1), dbSNP rs2526906019, ClinGen allele CA2825000878.